The following is an entry in ClinVar:

ClinVar aggregate classification (germline): Uncertain significance (1 of 4 stars; one submission).

Conditions:
Cardiovascular phenotype. Identifiers: MedGen CN230736.

Submission:

Ambry Genetics
Classification: Uncertain significance for Cardiovascular phenotype. Last evaluated: 2025-03-30. Review status: criteria provided, single submitter. Criteria: Ambry Variant Classification Scheme 2023. Collection method: clinical testing. Allele origin: germline.
Comment: The c.16960-5T>C intronic variant results from a T to C substitution 5 nucleotides upstream from coding exon 66 in the TTN gene. This nucleotide position is not well conserved in available vertebrate species. In silico splice site analysis predicts that this alteration will not have any significant effect on splicing. Based on the available evidence, the clinical significance of this variant remains unclear.

NM_001267550.2(TTN):c.44155-5T>C

Gene: TTN (titin; minus strand). Cytogenetic location: 2q31.2.
Variant type: single nucleotide variant.
Coding change: c.44155-5T>C on transcript NM_001267550.2 (MANE Select); 5 bases into the intron before coding-DNA position 44155, T replaced by C.
Molecular consequence: intron variant.
Genome position (GRCh38, 1-based): chr2:178,630,372, A>G on the plus strand (T>C on the coding strand, the complement: TTN is on the minus strand). VCF-style: chr2-178630372-A-G. GRCh37 (hg19) VCF-style: chr2-179495099-A-G.
Other names: c.16960-5T>C (NM_003319.4); c.17536-5T>C (NM_133437.4); c.17335-5T>C (NM_133432.3); c.36451-5T>C (NM_133378.4); c.39232-5T>C (NM_001256850.1).
Identifiers: ClinVar variation 3975772 (VCV003975772.1).